The following is an entry in ClinVar:

NM_001323289.2(CDKL5):c.440A>T (p.Asp147Val)

Gene: CDKL5 (cyclin dependent kinase like 5; plus strand). Cytogenetic location: Xp22.13.
Variant type: single nucleotide variant.
Coding change: c.440A>T on transcript NM_001323289.2 (MANE Select); coding-DNA position 440, A replaced by T.
Protein change: p.Asp147Val; replaces aspartic acid 147 with valine.
Molecular consequence: missense variant.
Genome position (GRCh38, 1-based): chrX:18,581,927, A>T. VCF-style: chrX-18581927-A-T. GRCh37 (hg19) VCF-style: chrX-18600047-A-T.
Other names: c.440A>T, p.Asp147Val (NM_001037343.2, NM_003159.3); short protein forms D147V.
Identifiers: ClinVar variation 2950636 (VCV002950636.3), dbSNP rs2518851374, ClinGen allele CA412350959.
Genomic context (GRCh38, chrX:18,581,927, plus strand): 5'-TTTTTTTTTATCTTGACACTCCAGATATAAAACCAGAAAATCTCTTAATCAGCCACAATG[A>T]TGTCCTAAAACTGTGTGACTTTGGTAAGTTAAAAAGAAATTAAGTCCTGGTACTTACAGA-3'
Protein context (NP_001310218.1, residues 137-157): KPENLLISHN[Asp147Val]VLKLCDFGFA

ClinVar aggregate classification (germline): Uncertain significance (1 of 4 stars; one submission).

Conditions:
Developmental and epileptic encephalopathy, 2 (DEE2). Also called: INFANTILE SPASM SYNDROME, X-LINKED 2; CDKL5 deficiency disorder. Identifiers: Orphanet 1934, Orphanet 3451, Orphanet 505652, MedGen C4750718, MONDO:0010396, OMIM 300672.
Angelman syndrome-like. Identifiers: MedGen CN128785.

Submission:

Labcorp Genetics (formerly Invitae), Labcorp
Classification: Uncertain significance for Developmental and epileptic encephalopathy, 2; Angelman syndrome-like. Last evaluated: 2023-08-03. Review status: criteria provided, single submitter. Criteria: Invitae Variant Classification Sherloc (09022015). Collection method: clinical testing. Allele origin: germline.
Comment: In summary, the available evidence is currently insufficient to determine the role of this variant in disease. Therefore, it has been classified as a Variant of Uncertain Significance. Advanced modeling of protein sequence and biophysical properties (such as structural, functional, and spatial information, amino acid conservation, physicochemical variation, residue mobility, and thermodynamic stability) performed at Invitae indicates that this missense variant is expected to disrupt CDKL5 protein function. This variant has not been reported in the literature in individuals affected with CDKL5-related conditions. This variant is not present in population databases (gnomAD no frequency). This sequence change replaces aspartic acid, which is acidic and polar, with valine, which is neutral and non-polar, at codon 147 of the CDKL5 protein (p.Asp147Val).